The following is an entry in ClinVar:

NM_000053.4(ATP7B):c.331C>T (p.Gln111Ter)

Gene: ATP7B (ATPase copper transporting beta; minus strand). Cytogenetic location: 13q14.3.
Variant type: single nucleotide variant.
Coding change: c.331C>T on transcript NM_000053.4 (MANE Select); coding-DNA position 331, C replaced by T.
Protein change: p.Gln111Ter; replaces glutamine 111 with a stop codon.
Molecular consequence: nonsense.
Genome position (GRCh38, 1-based): chr13:51,974,889, G>A on the plus strand (C>T on the coding strand, the complement: ATP7B is on the minus strand). VCF-style: chr13-51974889-G-A. GRCh37 (hg19) VCF-style: chr13-52549025-G-A.
Other names: c.331C>T, p.Gln111Ter (NM_001005918.3, NM_001243182.2, NM_001330578.2 and 1 more transcripts); short protein forms Q111*.
Identifiers: ClinVar variation 188899 (VCV000188899.13), dbSNP rs774221179, ClinGen allele CA274096.

ClinVar aggregate classification (germline): Pathogenic. Review status: criteria provided, multiple submitters, no conflicts (2 of 4 stars). 8 submissions from 8 submitters: Pathogenic (7). 1 of the submissions does not count toward it. Last evaluated 2025-11-11.

Conditions:
Wilson disease (WND). Also called: Wilson's disease. Identifiers: Orphanet 905, MedGen C0019202, MONDO:0010200, OMIM 277900. Disease mechanism: loss of function.

Allele frequency attached by ClinVar (database versions not stated): gnomAD exomes 0.00001; TOPMed below 0.00001; ExAC 0.00001; gnomAD 0.00001.
gnomAD v4.1: 20 of 1,614,114 alleles (0.0012%); highest among the groups gnomAD compares: Admixed American, 0.0017%; no homozygotes.

Submissions (8):

Labcorp Genetics (formerly Invitae), Labcorp
Classification: Pathogenic for Wilson disease. Last evaluated: 2025-11-11. Review status: criteria provided, single submitter. Criteria: Invitae Variant Classification Sherloc (09022015). Collection method: clinical testing. Allele origin: germline.
Comment: This sequence change creates a premature translational stop signal (p.Gln111*) in the ATP7B gene. It is expected to result in an absent or disrupted protein product. Loss-of-function variants in ATP7B are known to be pathogenic (PMID: 10441329, 16283883). This variant is present in population databases (rs774221179, gnomAD 0.003%). This premature translational stop signal has been observed in individual(s) with clinical features of Wilson disease (PMID: 9671269, 15952988, 31708252). ClinVar contains an entry for this variant (Variation ID: 188899). For these reasons, this variant has been classified as Pathogenic.

Color Diagnostics, LLC DBA Color Health
Classification: Pathogenic for Wilson disease. Last evaluated: 2025-07-29. Review status: criteria provided, single submitter. Criteria: ACMG Guidelines, 2015. Collection method: clinical testing. Allele origin: germline.
Comment: This variant changes 1 nucleotide in exon 2 of the ATP7B gene, creating a premature translation stop signal. This variant is expected to result in an absent or non-functional protein product. This variant has been observed in many individuals affected with autosomal recessive Wilson disease (PMID: 9671269, 15952988, 22677543, 23518715, 31708252, 34381985, 34400371), including eight individuals in the compound heterozygous state with a second pathogenic ATP7B variant (PMID: 15952988, 23518715, 34381985). This variant has been identified in 3/249446 chromosomes in the general population by the Genome Aggregation Database (gnomAD). Loss of ATP7B function is a known mechanism of disease. Based on the available evidence, this variant is classified as Pathogenic.

Natera, Inc.
Classification: Pathogenic for Wilson disease. Last evaluated: 2025-04-21. Review status: criteria provided, single submitter. Criteria: Natera Variant Classification Schema (03/2026). Collection method: clinical testing. Allele origin: germline.
Comment: The c.331C>T variant in ATP7B is a nonsense variant predicted to introduce a stop codon at amino acid 111. This variant is expected to result in nonsense mediated decay, truncation, or a dysfunctional protein product. This variant is rare in the general population with a frequency below the threshold expected for the associated phenotype(s). This variant has been observed in one or more individuals affected with the associated recessive disease, as either homozygous or compound heterozygous with a second variant (PMID: 32043565). Additionally, this variant has been observed to segregate in affected family members (PMID: 32043565). Given the available evidence, this variant is classified as Pathogenic.

Lildballe Lab, Aarhus University Hospital
Classification: Pathogenic for Wilson disease. Last evaluated: 2024-08-29. Review status: criteria provided, single submitter. Criteria: ACMG Guidelines, 2015. Collection method: clinical testing. Allele origin: germline. Affected: yes.
Comment: PM3, PVS1, PM2

Baylor Genetics
Classification: Pathogenic for Wilson disease. Last evaluated: 2024-02-23. Review status: criteria provided, single submitter. Criteria: ACMG Guidelines, 2015. Collection method: clinical testing. Allele origin: unknown.

All of Us Research Program, National Institutes of Health
Classification: Pathogenic for Wilson disease. Last evaluated: 2023-10-02. Review status: criteria provided, single submitter. Criteria: ACMG Guidelines, 2015. Collection method: clinical testing. Allele origin: germline. Inheritance: Autosomal recessive inheritance. Observed: 2 variant alleles, 2 heterozygotes.
Comment: This variant changes 1 nucleotide in exon 2 of the ATP7B gene, creating a premature translation stop signal. This variant is expected to result in an absent or non-functional protein product. This variant has been observed in many individuals affected with autosomal recessive Wilson disease (PMID: 9671269, 15952988, 22677543, 23518715, 31708252, 34381985, 34400371), including eight individuals in the compound heterozygous state with a second pathogenic ATP7B variant (PMID: 15952988, 23518715, 34381985). This variant has been identified in 3/249446 chromosomes in the general population by the Genome Aggregation Database (gnomAD). Loss of ATP7B function is a known mechanism of disease. Based on the available evidence, this variant is classified as Pathogenic.

This study involves interpretation of variants in research participants for the purpose of population health screening. Participant phenotype was not available at the time of variant classification. Additional details can be found in publication PMID: 35346344, PMCID: PMC8962531

Laboratory for Molecular Medicine, Mass General Brigham Personalized Medicine
Classification: Pathogenic for Wilson disease. Last evaluated: 2020-06-11. Review status: criteria provided, single submitter. Criteria: ACMG Guidelines, 2015. Collection method: clinical testing. Allele origin: germline.
Comment: The p.Gln111X variant in ATP7B has been previously reported in at least 5 compound heterozygous individuals with Wilson disease (Bost 2012, Coffey 2013, Loudianos 1998, Margarit 2005). It has also been identified in 0.002% (1/34528) of Latino chromosomes by gnomAD, which is low enough to be consistent with a recessive allele frequency. This nonsense variant leads to a premature termination codon at position 111, which is predicted to lead to a truncated or absent protein. Loss of function of the ATP7B gene is an established disease mechanism in autosomal recessive Wilson disease. In summary, this variant meets criteria to be classified as pathogenic for autosomal recessive Wilson disease. ACMG/AMP Criteria applied: PVS1, PM2, PM3_Strong, PP4.

Counsyl
Classification: Likely pathogenic for Wilson's disease. Last evaluated: 2014-07-24. Review status: no assertion criteria provided. Collection method: literature only. Allele origin: unknown. Inheritance: Autosomal recessive inheritance. Not counted in ClinVar's aggregate classification.

Literature cited by the submitters: PubMed 10441329 (cited by Labcorp Genetics (formerly Invitae), Labcorp); PubMed 16283883 (cited by Labcorp Genetics (formerly Invitae), Labcorp); PubMed 9671269 (cited by 5 submitters); PubMed 15952988 (cited by 5 submitters); PubMed 31708252 (cited by 3 submitters); PubMed 22677543 (cited by 4 submitters); PubMed 23518715 (cited by 4 submitters); PubMed 34381985 (cited by Color Diagnostics, LLC DBA Color Health and All of Us Research Program, National Institutes of Health); PubMed 34400371 (cited by Color Diagnostics, LLC DBA Color Health and All of Us Research Program, National Institutes of Health); PubMed 32043565 (cited by Natera, Inc.).